The following is an entry in ClinVar:

NM_000052.7(ATP7A):c.1916G>A (p.Ser639Asn)

Gene: ATP7A (ATPase copper transporting alpha; plus strand). Cytogenetic location: Xq21.1.
Variant type: single nucleotide variant.
Coding change: c.1916G>A on transcript NM_000052.7 (MANE Select); coding-DNA position 1916, G replaced by A.
Protein change: p.Ser639Asn; replaces serine 639 with asparagine.
Molecular consequence: missense variant.
Genome position (GRCh38, 1-based): chrX:78,011,222, G>A. VCF-style: chrX-78011222-G-A. GRCh37 (hg19) VCF-style: chrX-77266719-G-A.
Other names: c.1916G>A, p.Ser639Asn (NM_001282224.2); short protein forms S639N.
Identifiers: ClinVar variation 1782590 (VCV001782590.6), dbSNP rs781910954, ClinGen allele CA413597990.

ClinVar aggregate classification (germline): Uncertain significance. Review status: criteria provided, multiple submitters, no conflicts (2 of 4 stars). 3 submissions from 3 submitters: Uncertain significance (3). Last evaluated 2025-05-21.

Conditions:
Cutis laxa, X-linked (OHS). Also called: EDS IX; Occipital horn syndrome. Identifiers: Orphanet 198, MedGen C0268353, MONDO:0010572, OMIM 304150.
Menkes kinky-hair syndrome (MNK). Also called: Classic Menkes Disease; Copper transport disease; Menkes Disease. Identifiers: Orphanet 565, MedGen C0022716, MONDO:0010651, OMIM 309400.
X-linked distal spinal muscular atrophy type 3. Also called: NEURONOPATHY, DISTAL HEREDITARY MOTOR, X-LINKED; NEUROPATHY, DISTAL HEREDITARY MOTOR, X-LINKED; ATP7A-Related Distal Motor Neuropathy; SPINAL MUSCULAR ATROPHY, DISTAL, X-LINKED RECESSIVE. Identifiers: Orphanet 139557, MedGen C1845359, MONDO:0010338, OMIM 300489.
Inborn genetic diseases. Identifiers: MedGen C0950123, MeSH D030342.

gnomAD v4.1: 1 of 1,210,538 alleles (0.000083%); highest among the groups gnomAD compares: Non-Finnish European, 0.00011%; no homozygotes.

Submissions (3):

Clinical Genomics Laboratory, Washington University in St. Louis
Classification: Uncertain significance for Menkes kinky-hair syndrome. Last evaluated: 2025-05-21. Review status: criteria provided, single submitter. Criteria: ACMG Guidelines, 2015. Collection method: clinical testing. Allele origin: germline.
Comment: The ATP7A c.1916G>A (p.Ser639Asn) variant, to our knowledge, has not been reported in the medical literature. This variant is observed on 1/1,210,538 alleles in the general population (gnomAD v4.1.0) as a hemizygote. Computational predictors are uncertain as to the impact of this variant on ATP7A function. This variant has been reported in the ClinVar database as a variant of uncertain significance by two submitters. Due to limited information, and based on ACMG/AMP guidelines for variant interpretation (Richards S et al., PMID: 25741868), the clinical significance of this variant is uncertain at this time.

Labcorp Genetics (formerly Invitae), Labcorp
Classification: Uncertain significance for X-linked distal spinal muscular atrophy type 3; Cutis laxa, X-linked; Menkes kinky-hair syndrome. Last evaluated: 2023-06-27. Review status: criteria provided, single submitter. Criteria: Invitae Variant Classification Sherloc (09022015). Collection method: clinical testing. Allele origin: germline.
Comment: This variant has not been reported in the literature in individuals affected with ATP7A-related conditions. This sequence change replaces serine, which is neutral and polar, with asparagine, which is neutral and polar, at codon 639 of the ATP7A protein (p.Ser639Asn). This variant is not present in population databases (gnomAD no frequency). ClinVar contains an entry for this variant (Variation ID: 1782590). Advanced modeling of protein sequence and biophysical properties (such as structural, functional, and spatial information, amino acid conservation, physicochemical variation, residue mobility, and thermodynamic stability) performed at Invitae indicates that this missense variant is not expected to disrupt ATP7A protein function. In summary, the available evidence is currently insufficient to determine the role of this variant in disease. Therefore, it has been classified as a Variant of Uncertain Significance.

Ambry Genetics
Classification: Uncertain significance for Inborn genetic diseases. Last evaluated: 2021-10-16. Review status: criteria provided, single submitter. Criteria: Ambry Variant Classification Scheme 2023. Collection method: clinical testing. Allele origin: germline.
Comment: The p.S639N variant (also known as c.1916G>A), located in coding exon 7 of the ATP7A gene, results from a G to A substitution at nucleotide position 1916. The serine at codon 639 is replaced by asparagine, an amino acid with highly similar properties. This amino acid position is conserved. In addition, this alteration is predicted to be tolerated by in silico analysis. Since supporting evidence is limited at this time, the clinical significance of this alteration remains unclear.